The following is an entry in ClinVar:

ClinVar aggregate classification (germline): Uncertain significance. Review status: criteria provided, multiple submitters, no conflicts (2 of 4 stars). 2 submissions from 2 submitters: Uncertain significance (2). Last evaluated 2022-12-07.

Conditions:
Emery-Dreifuss muscular dystrophy 4, autosomal dominant (EDMD4). Also called: EMERY-DREIFUSS MUSCULAR DYSTROPHY 4 WITH VARIABLE FEATURES. Identifiers: Orphanet 261, MedGen C2751807, MONDO:0013071, OMIM 612998.
Autosomal recessive ataxia, Beauce type. Also called: Spinocerebellar ataxia, autosomal recessive 8; ATAXIA, RECESSIVE, OF BEAUCE; SYNE1-Related Autosomal Recessive Cerebellar Ataxia; SYNE1 Deficiency. Identifiers: Orphanet 88644, MedGen C1853116, MONDO:0012549, OMIM 610743.

Allele frequency attached by ClinVar (database versions not stated): ExAC 0.00002; gnomAD exomes 0.00001 and below 0.00001; gnomAD 0.00002; TOPMed 0.00001.

Submissions (2):

Labcorp Genetics (formerly Invitae), Labcorp
Classification: Uncertain significance for Emery-Dreifuss muscular dystrophy 4, autosomal dominant; Autosomal recessive ataxia, Beauce type. Last evaluated: 2022-12-07. Review status: criteria provided, single submitter. Criteria: Invitae Variant Classification Sherloc (09022015). Collection method: clinical testing. Allele origin: germline.
Comment: This sequence change results in a frameshift in the SYNE1 gene (p.Arg8690Profs*72). While this is not anticipated to result in nonsense mediated decay, it is expected to disrupt the last 60 amino acid(s) of the SYNE1 protein and extend the protein by 11 additional amino acid residues. This variant is present in population databases (rs774317818, gnomAD 0.007%). This variant has not been reported in the literature in individuals affected with SYNE1-related conditions. ClinVar contains an entry for this variant (Variation ID: 1057430). This variant disrupts the C-terminus of the SYNE1 protein. Other variant(s) that disrupt this region (p.Arg8698*, p.Arg8746*) have been observed in individuals with SYNE1-related conditions (PMID: 27782104). This suggests that this may be a clinically significant region of the protein. In summary, the available evidence is currently insufficient to determine the role of this variant in disease. Therefore, it has been classified as a Variant of Uncertain Significance.

Revvity Omics, Revvity
Classification: Uncertain significance. Last evaluated: 2020-08-17. Review status: criteria provided, single submitter. Criteria: ACMG Guidelines, 2015. Collection method: clinical testing. Allele origin: germline.

Literature cited by the submitters: PubMed 27782104 (cited by Labcorp Genetics (formerly Invitae), Labcorp).

NM_182961.4(SYNE1):c.26213del (p.Arg8738fs)

Genes: SYNE1 (spectrin repeat containing nuclear envelope protein 1; minus strand), ESR1 (estrogen receptor 1; plus strand). Cytogenetic location: 6q25.2.
Variant type: Deletion.
Coding change: c.26213del on transcript NM_182961.4 (MANE Select); coding-DNA position 26213, one base deleted (G; older notation c.26213delG).
Protein change: p.Arg8738fs; shifts the reading frame from arginine 8738.
Molecular consequence: frameshift variant. On other transcripts: 3 prime UTR variant (1), intron variant (1).
Genome position (GRCh38, 1-based): chr6:152,122,617, C deleted on the plus strand (G on the coding strand, the reverse complement: SYNE1 is on the minus strand). VCF-style (leftmost placement, unchanged base first): chr6-152122616-GC-G. GRCh37 (hg19) VCF-style: chr6-152443751-GC-G.
Other names: c.*24del (NM_001347701.2); c.2747del, p.Arg916fs (NM_001347702.2); c.26069delG, p.Arg8690Profs (NM_033071.3); c.26069del, p.Arg8690fs (NM_033071.5); c.851-2649del (NM_001328100.2); short protein forms R8690fs, R8738fs, R916fs.
Identifiers: ClinVar variation 1057430 (VCV001057430.13), dbSNP rs774317818, ClinGen allele CA4052602.
Genomic context (GRCh38, chr6:152,122,616, plus strand): 5'-GAGGAGGAGCAGGAGAAGCTGAAGGGGAAGAGCTGCTCGGAGGACTCTGAACAGGAAGCC[GC>G]GGCCGGACCGACCTGGCCCTGGCTCAGAAAGGGAGGAATCGGAGCCACCTTTTGTGGACC-3'